The following is an entry in ClinVar:

NM_001369.3(DNAH5):c.5391_5392insATGTGTATAA (p.Ser1798fs)

Gene: DNAH5 (dynein axonemal heavy chain 5; minus strand). Cytogenetic location: 5p15.2.
Variant type: Insertion.
Coding change: c.5391_5392insATGTGTATAA on transcript NM_001369.3 (MANE Select); coding-DNA positions 5391 to 5392, ATGTGTATAA inserted.
Protein change: p.Ser1798fs; shifts the reading frame from serine 1798.
Molecular consequence: frameshift variant.
Genome position: GRCh38 VCF-style: chr5-13841784-A-ATTATACACAT. GRCh37 (hg19) VCF-style: chr5-13841893-A-ATTATACACAT.
Other names: short protein forms S1798fs.
Identifiers: ClinVar variation 5010409 (VCV005010409.1).
Genomic context (GRCh38, chr5:13,841,784, plus strand): 5'-GTTGGAAACCTGTTTCTTGAATATTTGCGGCTGCCTGGCGAATCACAAGATGCAATGAGG[A>ATTATACACAT]CTGAGATTCTTCCAAAAGAGAATTAAGCCAAACTTCCACATTGCCCTCTGCCATGACAGG-3'

ClinVar aggregate classification (germline): Pathogenic (1 of 4 stars; one submission).

Conditions:
Primary ciliary dyskinesia 3. Identifiers: Orphanet 244, MedGen C1837618, MONDO:0012085, OMIM 608644.

Submission:

Myriad Genetics, Inc.
Classification: Pathogenic for Primary ciliary dyskinesia 3. Last evaluated: 2024-05-14. Review status: criteria provided, single submitter. Criteria: Myriad Autosomal Dominant, Autosomal Recessive and X-Linked Classification Criteria (2023). Collection method: clinical testing. Allele origin: unknown.
Comment: NM_001369.2(DNAH5):c.5391_5392ins10(S1798Mfs*26) is expected to be pathogenic in the context of primary ciliary dyskinesia, DNAH5-related. This variant is predicted to lead to an abnormal or absent protein product due to the creation of a premature termination codon in DNAH5, a gene where loss-of-function variants are known to be pathogenic. Please note: this variant was assessed in the context of healthy population screening.